The following is an entry in ClinVar:

ClinVar aggregate classification (germline): Benign (1 of 4 stars; one submission).

Allele frequency attached by ClinVar (database versions not stated): gnomAD 0.44255 and 0.45096; TOPMed 0.44671; 1000 Genomes Project 30x 0.54903; 1000 Genomes Project 0.55751.
gnomAD v4.1: 67,954 of 150,674 alleles (45%); highest among the groups gnomAD compares: East Asian, 77%; 15,928 homozygotes.

Submission:

GeneDx
Classification: Benign. Last evaluated: 2018-06-14. Review status: criteria provided, single submitter. Criteria: GeneDx Variant Classification (06012015). Collection method: clinical testing. Allele origin: germline. Affected: yes.
Comment: This variant is considered likely benign or benign based on one or more of the following criteria: it is a conservative change, it occurs at a poorly conserved position in the protein, it is predicted to be benign by multiple in silico algorithms, and/or has population frequency not consistent with disease.

NM_004984.4(KIF5A):c.714+161A>G

Gene: KIF5A (kinesin family member 5A; plus strand). Cytogenetic location: 12q13.3.
Variant type: single nucleotide variant.
Coding change: c.714+161A>G on transcript NM_004984.4 (MANE Select); 161 bases into the intron after coding-DNA position 714, A replaced by G.
Molecular consequence: intron variant.
Genome position (GRCh38, 1-based): chr12:57,567,779, A>G. VCF-style: chr12-57567779-A-G. GRCh37 (hg19) VCF-style: chr12-57961562-A-G.
Other names: c.447+161A>G (NM_001354705.2).
Identifiers: ClinVar variation 682863 (VCV000682863.1), dbSNP rs10783833, ClinGen allele CA13590353.